The following is an entry in ClinVar:

NM_001042492.3(NF1):c.1173C>T (p.Asn391=)

Gene: NF1 (neurofibromin 1; plus strand). Cytogenetic location: 17q11.2.
Variant type: single nucleotide variant.
Coding change: c.1173C>T on transcript NM_001042492.3 (MANE Select); coding-DNA position 1173, C replaced by T.
Protein change: p.Asn391=; no amino-acid change (asparagine 391 retained).
Molecular consequence: synonymous variant.
Genome position (GRCh38, 1-based): chr17:31,201,147, C>T. VCF-style: chr17-31201147-C-T. GRCh37 (hg19) VCF-style: chr17-29528165-C-T.
Other names: c.1173C>T, p.Asn391= (NM_000267.4, NM_001128147.3).
Identifiers: ClinVar variation 184613 (VCV000184613.14), dbSNP rs367986994, ClinGen allele CA189463.

ClinVar aggregate classification (germline): Benign/Likely benign. Review status: criteria provided, multiple submitters, no conflicts (2 of 4 stars). 5 submissions from 5 submitters: Benign (1); Likely benign (4). Last evaluated 2026-05-15.

Conditions:
Hereditary cancer-predisposing syndrome. Also called: Tumor predisposition; Hereditary neoplastic syndrome; Neoplastic Syndromes, Hereditary; Hereditary Cancer Syndrome. Identifiers: Orphanet 140162, MedGen C0027672, MeSH D009386, MONDO:0015356.
Neurofibromatosis, type 1 (NF1). Also called: Neurofibromatosis, type I; NEUROFIBROMATOSIS, TYPE I, SOMATIC; VON RECKLINGHAUSEN DISEASE; Peripheral type neurofibromatosis. Identifiers: Orphanet 636, MedGen C0027831, MONDO:0018975, OMIM 162200. Disease mechanism: loss of function.

Allele frequency attached by ClinVar (database versions not stated): ExAC 0.00001; gnomAD 0.00001; gnomAD exomes 0.00001 and 0.00002; TOPMed 0.00003; ESP Exome Variant Server 0.00008.
gnomAD v4.1: 10 of 1,613,964 alleles (0.00062%); highest among the groups gnomAD compares: Non-Finnish European, 0.00085%; no homozygotes.

Submissions (5):

Myriad Genetics, Inc.
Classification: Benign for Neurofibromatosis, type 1. Last evaluated: 2026-05-15. Review status: criteria provided, single submitter. Criteria: Myriad Autosomal Dominant, Autosomal Recessive and X-Linked Classification Criteria (2023). Collection method: clinical testing. Allele origin: unknown.
Comment: This variant is considered benign. This variant is a silent/synonymous amino acid change and it is not expected to impact splicing.

Labcorp Genetics (formerly Invitae), Labcorp
Classification: Likely benign for Neurofibromatosis, type 1. Last evaluated: 2025-12-09. Review status: criteria provided, single submitter. Criteria: Invitae Variant Classification Sherloc (09022015). Collection method: clinical testing. Allele origin: germline.

Genome-Nilou Lab
Classification: Likely benign for Neurofibromatosis, type 1. Last evaluated: 2022-03-15. Review status: criteria provided, single submitter. Criteria: ACMG Guidelines, 2015. Collection method: clinical testing. Allele origin: germline. Affected: no.

GeneDx
Classification: Likely benign. Last evaluated: 2018-02-16. Review status: criteria provided, single submitter. Criteria: GeneDx Variant Classification (06012015). Collection method: clinical testing. Allele origin: germline. Affected: yes.
Comment: This variant is considered likely benign or benign based on one or more of the following criteria: it is a conservative change, it occurs at a poorly conserved position in the protein, it is predicted to be benign by multiple in silico algorithms, and/or has population frequency not consistent with disease.

Ambry Genetics
Classification: Likely benign for Hereditary cancer-predisposing syndrome. Last evaluated: 2015-06-17. Review status: criteria provided, single submitter. Criteria: Ambry Autosomal Dominant and X-Linked criteria (10/2015). Collection method: clinical testing. Allele origin: germline. Observed: 1 variant allele.